The following is an entry in ClinVar:

ClinVar aggregate classification (germline): Pathogenic. Review status: criteria provided, multiple submitters, no conflicts (2 of 4 stars). 3 submissions from 3 submitters: Pathogenic (3). Last evaluated 2024-10-15.

Conditions:
Coffin-Siris syndrome 1 (CSS1). Also called: ARID1B-Related Coffin-Siris Syndrome; Mental retardation, autosomal dominant 12. Identifiers: Orphanet 1465, MedGen C3281201, MONDO:0007617, OMIM 135900. Disease mechanism: gain of function.

Submissions (3):

Labcorp Genetics (formerly Invitae), Labcorp
Classification: Pathogenic. Last evaluated: 2024-10-15. Review status: criteria provided, single submitter. Criteria: Invitae Variant Classification Sherloc (09022015). Collection method: clinical testing. Allele origin: germline.
Comment: This sequence change creates a premature translational stop signal (p.Ser1865*) in the ARID1B gene. While this is not anticipated to result in nonsense mediated decay, it is expected to disrupt the last 385 amino acid(s) of the ARID1B protein. This variant is not present in population databases (gnomAD no frequency). This premature translational stop signal has been observed in individual(s) with clinical features of ARID1B-related conditions (PMID: 30349098). This variant disrupts a region of the ARID1B protein in which other variant(s) (p.Arg2147Lysfs*45) have been determined to be pathogenic (PMID: 23906836). This suggests that this is a clinically significant region of the protein, and that variants that disrupt it are likely to be disease-causing. For these reasons, this variant has been classified as Pathogenic.

Greenwood Genetic Center Diagnostic Laboratories, Greenwood Genetic Center
Classification: Pathogenic for Coffin-Siris syndrome 1. Last evaluated: 2024-04-29. Review status: criteria provided, single submitter. Criteria: ACMG Guidelines, 2015. Collection method: clinical testing. Allele origin: germline. Affected: yes.
Comment: PVS1, PS2, PS4_Supporting, PM2

3billion
Classification: Pathogenic for Coffin-Siris syndrome 1. Last evaluated: 2023-09-26. Review status: criteria provided, single submitter. Criteria: ACMG Guidelines, 2015. Collection method: clinical testing. Allele origin: germline. Affected: yes.
Comment: The variant is not observed in the gnomAD v2.1.1 dataset. Predicted Consequence/Location: Stop-gained (nonsense): predicted to result in a loss or disruption of normal protein function through protein truncation. Multiple pathogenic variants are reported in the predicted truncated region. The variant has been previously reported as de novo in a similarly affected individual (PMID: 30349098). The variant has been reported to be associated with ARID1B related disorder (ClinVar ID: VCV002418945 /PMID: 30349098). Therefore, this variant is classified as Pathogenic according to the recommendation of ACMG/AMP guideline.

Literature cited by the submitters: PubMed 30349098 (cited by Labcorp Genetics (formerly Invitae), Labcorp and 3billion); PubMed 23906836 (cited by Labcorp Genetics (formerly Invitae), Labcorp).

NM_001374828.1(ARID1B):c.5963_5964del (p.Asp1987_Ser1988insTer)

Gene: ARID1B (AT-rich interaction domain 1B; plus strand). Cytogenetic location: 6q25.3.
Variant type: Microsatellite.
Coding change: c.5963_5964del on transcript NM_001374828.1 (MANE Select); coding-DNA positions 5963 to 5964, 2 bases deleted (CT; older notation c.5963_5964delCT).
Protein change: p.Asp1987_Ser1988insTer.
Molecular consequence: nonsense. On other transcripts: frameshift variant (3).
Genome position (GRCh38, 1-based): chr6:157,206,735-157,206,736, CT deleted; deleting any 2 consecutive bases within chr6:157,206,733-157,206,736 gives the same sequence; the c. name uses the placement nearest the transcript's 3' end. VCF-style (leftmost placement, unchanged base first): chr6-157206732-ACT-A. GRCh37 (hg19) VCF-style: chr6-157527866-ACT-A.
Other names: c.5712_5713CT[1], p.Ser1905Terfs (NM_001346813.1); c.3464_3465del, p.Asp1154_Ser1155insTer (NM_001363725.2); c.5843_5844del, p.Asp1947_Ser1948insTer (NM_001371656.1, NM_001374820.1); c.5804_5805del, p.Asp1934_Ser1935insTer (NM_017519.3); c.5592_5593CT[1], p.Ser1865Terfs (NM_020732.3); c.5379_5380CT[1], p.Ser1794Terfs (NM_175863.2).
Identifiers: ClinVar variation 2418945 (VCV002418945.8), dbSNP rs2538768546, ClinGen allele CA2580615814.